The following is an entry in ClinVar:

NM_001127178.3(PIGG):c.989G>T (p.Ser330Ile)

Gene: PIGG (phosphatidylinositol glycan anchor biosynthesis class G (EMM blood group); plus strand). Cytogenetic location: 4p16.3.
Variant type: single nucleotide variant.
Coding change: c.989G>T on transcript NM_001127178.3 (MANE Select); coding-DNA position 989, G replaced by T.
Protein change: p.Ser330Ile; replaces serine 330 with isoleucine.
Molecular consequence: missense variant. On other transcripts: 5 prime UTR variant (4), non-coding transcript variant (10).
Genome position (GRCh38, 1-based): chr4:516,060, G>T. VCF-style: chr4-516060-G-T. GRCh37 (hg19) VCF-style: chr4-509849-G-T.
Other names: c.722G>T, p.Ser241Ile (NM_001289051.2, NM_001289053.2, NM_001289057.2 and 2 more transcripts); c.590G>T, p.Ser197Ile (NM_001289052.2); c.623G>T, p.Ser208Ile (NM_001289055.2); c.-41G>T (NM_001345988.2); c.989G>T, p.Ser330Ile (NM_001345989.2, NM_017733.5); c.-637G>T (NM_001345990.2); c.-499G>T (NM_001345991.2); c.-224G>T (NM_001345994.2); short protein forms S241I, S330I, S197I, S208I.
Identifiers: ClinVar variation 2161410 (VCV002161410.4), dbSNP rs1189967347, ClinGen allele CA355901926.
Genomic context (GRCh38, chr4:516,060, plus strand): 5'-AACAGACGGATGTGGCTGCGACACTGGCGATAGCACTTGGCTTACCGATTCCAAAAGACA[G>T]TGTAGGGAGCCTCCTATTCCCAGTTGTGGAAGGAAGACCAATGAGAGAGCAGTTGAGATT-3'
Protein context (NP_001120650.1, residues 320-340): IALGLPIPKD[Ser330Ile]VGSLLFPVVE

ClinVar aggregate classification (germline): Uncertain significance (1 of 4 stars; one submission).

Conditions:
Intellectual disability, autosomal recessive 53 (NEDHSCA). Also called: NEURODEVELOPMENTAL DISORDER WITH OR WITHOUT HYPOTONIA, SEIZURES, AND CEREBELLAR ATROPHY; GLYCOSYLPHOSPHATIDYLINOSITOL BIOSYNTHESIS DEFECT 13; Mental retardation, autosomal recessive 53. Identifiers: Orphanet 488635, MedGen C4310794, MONDO:0014832, OMIM 616917.

Allele frequency attached by ClinVar (database versions not stated): gnomAD 0.00001.
gnomAD v4.1: 1 of 1,614,078 alleles (0.000062%); highest among the groups gnomAD compares: Non-Finnish European, 0.000085%; no homozygotes.

Submission:

Labcorp Genetics (formerly Invitae), Labcorp
Classification: Uncertain significance for Intellectual disability, autosomal recessive 53. Last evaluated: 2021-12-24. Review status: criteria provided, single submitter. Criteria: Invitae Variant Classification Sherloc (09022015). Collection method: clinical testing. Allele origin: germline.
Comment: This variant is present in population databases (no rsID available, gnomAD 0.007%). In summary, the available evidence is currently insufficient to determine the role of this variant in disease. Therefore, it has been classified as a Variant of Uncertain Significance. Algorithms developed to predict the effect of missense changes on protein structure and function are either unavailable or do not agree on the potential impact of this missense change (SIFT: "Deleterious"; PolyPhen-2: "Possibly Damaging"; Align-GVGD: "Class C0"). This variant has not been reported in the literature in individuals affected with PIGG-related conditions. This sequence change replaces serine, which is neutral and polar, with isoleucine, which is neutral and non-polar, at codon 330 of the PIGG protein (p.Ser330Ile).